The following is an entry in ClinVar:

NM_001846.4(COL4A2):c.1777-7C>T

Gene: COL4A2 (collagen type IV alpha 2 chain; plus strand). Cytogenetic location: 13q34.
Variant type: single nucleotide variant.
Coding change: c.1777-7C>T on transcript NM_001846.4 (MANE Select); 7 bases into the intron before coding-DNA position 1777, C replaced by T.
Molecular consequence: intron variant.
Genome position (GRCh38, 1-based): chr13:110,465,398, C>T. VCF-style: chr13-110465398-C-T. GRCh37 (hg19) VCF-style: chr13-111117745-C-T.
Other names: p.?.
Identifiers: ClinVar variation 311134 (VCV000311134.19), dbSNP rs3803236, ClinGen allele CA7049719.

ClinVar aggregate classification (germline): Benign. Review status: criteria provided, multiple submitters, no conflicts (2 of 4 stars). 7 submissions from 7 submitters: Benign (7). Last evaluated 2026-02-03.

Conditions:
Brain small vessel disease 2A, autosomal dominant. Also called: Porencephaly 2. Identifiers: Orphanet 2940, Orphanet 99810, MedGen C3280970, MONDO:0013773, OMIM 614483.

Allele frequency attached by ClinVar (database versions not stated): 1000 Genomes Project 0.51398; 1000 Genomes Project 30x 0.52014; gnomAD exomes 0.53011 and 0.57741; ExAC 0.53833; gnomAD 0.57900 and 0.58770; TOPMed 0.58735; ESP Exome Variant Server 0.61320.
gnomAD v4.1: 911,955 of 1,578,806 alleles (58%); highest among the groups gnomAD compares: Middle Eastern, 67%; 268,757 homozygotes.

Submissions (7):

Labcorp Genetics (formerly Invitae), Labcorp
Classification: Benign. Last evaluated: 2026-02-03. Review status: criteria provided, single submitter. Criteria: Invitae Variant Classification Sherloc (09022015). Collection method: clinical testing. Allele origin: germline.

Blueprint Genetics
Classification: Benign. Last evaluated: 2024-11-27. Review status: criteria provided, single submitter. Criteria: ACMG Guidelines, 2015. Collection method: clinical testing. Allele origin: germline.

Mayo Clinic Laboratories, Mayo Clinic
Classification: Benign. Last evaluated: 2022-04-26. Review status: criteria provided, single submitter. Criteria: ACMG Guidelines, 2015. Collection method: clinical testing. Allele origin: germline. Observed: 253 variant alleles.

Genome-Nilou Lab
Classification: Benign for Brain small vessel disease 2A, autosomal dominant. Last evaluated: 2021-07-22. Review status: criteria provided, single submitter. Criteria: ACMG Guidelines, 2015. Collection method: clinical testing. Allele origin: germline. Affected: no.

GeneDx
Classification: Benign. Last evaluated: 2018-04-10. Review status: criteria provided, single submitter. Criteria: GeneDx Variant Classification (06012015). Collection method: clinical testing. Allele origin: germline. Affected: yes.
Comment: This variant is considered likely benign or benign based on one or more of the following criteria: it is a conservative change, it occurs at a poorly conserved position in the protein, it is predicted to be benign by multiple in silico algorithms, and/or has population frequency not consistent with disease.

Illumina Laboratory Services, Illumina
Classification: Benign for Brain small vessel disease 2A, autosomal dominant. Last evaluated: 2018-01-13. Review status: criteria provided, single submitter. Criteria: ICSL Variant Classification Criteria 13 December 2019. Collection method: clinical testing. Allele origin: germline.
Comment: This variant was observed in the ICSL laboratory as part of a predisposition screen in an ostensibly healthy population. It had not been previously curated by ICSL or reported in the Human Gene Mutation Database (HGMD: prior to June 1st, 2018), and was therefore a candidate for classification through an automated scoring system. Utilizing variant allele frequency, disease prevalence and penetrance estimates, and inheritance mode, an automated score was calculated to assess if this variant is too frequent to cause the disease. Based on the score and internal cut-off values, a variant classified as benign is not then subjected to further curation. The score for this variant resulted in a classification of benign for this disease.

Breakthrough Genomics
Classification: Benign. Review status: criteria provided, single submitter. Criteria: ACMG Guidelines, 2015. Collection method: not provided. Allele origin: germline. Inheritance: Autosomal dominant inheritance. Affected: yes.